The following is an entry in ClinVar:

ClinVar aggregate classification (germline): Uncertain significance (1 of 4 stars; one submission).

Conditions:
FG syndrome (FGS). Identifiers: MedGen C0220769, MONDO:0002010.

Submission:

Labcorp Genetics (formerly Invitae), Labcorp
Classification: Uncertain significance for FG syndrome. Last evaluated: 2023-03-30. Review status: criteria provided, single submitter. Criteria: Invitae Variant Classification Sherloc (09022015). Collection method: clinical testing. Allele origin: germline.
Comment: Algorithms developed to predict the effect of sequence changes on RNA splicing suggest that this variant may create or strengthen a splice site. This variant has not been reported in the literature in individuals affected with MED12-related conditions. This variant is not present in population databases (gnomAD no frequency). This sequence change falls in intron 13 of the MED12 gene. It does not directly change the encoded amino acid sequence of the MED12 protein. In summary, the available evidence is currently insufficient to determine the role of this variant in disease. Therefore, it has been classified as a Variant of Uncertain Significance.

NM_005120.3(MED12):c.1975-16T>C

Gene: MED12 (mediator complex subunit 12; plus strand). Cytogenetic location: Xq13.1.
Variant type: single nucleotide variant.
Coding change: c.1975-16T>C on transcript NM_005120.3 (MANE Select); 16 bases into the intron before coding-DNA position 1975, T replaced by C.
Molecular consequence: intron variant.
Genome position (GRCh38, 1-based): chrX:71,124,748, T>C. VCF-style: chrX-71124748-T-C. GRCh37 (hg19) VCF-style: chrX-70344598-T-C.
Identifiers: ClinVar variation 2731513 (VCV002731513.3), dbSNP rs2519676854, ClinGen allele CA2697553153.
Genomic context (GRCh38, chrX:71,124,748, plus strand): 5'-CCCCAATGAAGTTTTACAGATGGTGGGAGCCACTCCCTAGGGCTAAAGCAACTTCGCTTA[T>C]GTTCTATGCCCTCAGGATCCAGGGCTCTCAGAATCTATGGACATTGACCCTAGTTCCAGT-3'